The following is an entry in ClinVar:

ClinVar aggregate classification (germline): Pathogenic (1 of 4 stars; one submission).

Submission:

Labcorp Genetics (formerly Invitae), Labcorp
Classification: Pathogenic. Last evaluated: 2021-08-21. Review status: criteria provided, single submitter. Criteria: Invitae Variant Classification Sherloc (09022015). Collection method: clinical testing. Allele origin: germline.
Comment: This variant is a gross deletion of the genomic region encompassing exon(s) 11-20 of the TCIRG1 gene, which includes the termination codon. This deletion extends beyond the assayed region for this gene and therefore may encompass additional genes. While this deletion is not anticipated to lead to nonsense mediated decay, it is expected to alter mRNA translation or result in a truncated protein product. This variant has not been reported in the literature in individuals affected with TCIRG1-related conditions. This variant disrupts a region of the TCIRG1 protein in which other variant(s) (p.Gly405) have been determined to be pathogenic (PMID: 11532986, 12552563, 22231430, 29363653). This suggests that this is a clinically significant region of the protein, and that variants that disrupt it are likely to be disease-causing. For these reasons, this variant has been classified as Pathogenic.

Literature cited by the submitters: PubMed 11532986; PubMed 12552563; PubMed 22231430; PubMed 29363653.

NC_000011.9:g.(?_67814890)_(67818296_?)del

Gene: TCIRG1 (T cell immune regulator 1, ATPase H+ transporting V0 subunit a3; plus strand). Cytogenetic location: 11q13.2.
Variant type: Deletion.
Identifiers: ClinVar variation 1455306 (VCV001455306.4).